The following is an entry in ClinVar:

NM_004046.6(ATP5F1A):c.1459G>A (p.Val487Ile)

Gene: ATP5F1A (ATP synthase F1 subunit alpha; minus strand). Cytogenetic location: 18q21.1.
Variant type: single nucleotide variant.
Coding change: c.1459G>A on transcript NM_004046.6 (MANE Select); coding-DNA position 1459, G replaced by A.
Protein change: p.Val487Ile; replaces valine 487 with isoleucine.
Molecular consequence: missense variant.
Genome position (GRCh38, 1-based): chr18:46,084,625, C>T on the plus strand (G>A on the coding strand, the complement: ATP5F1A is on the minus strand). VCF-style: chr18-46084625-C-T. GRCh37 (hg19) VCF-style: chr18-43664591-C-T.
Other names: c.1309G>A, p.Val437Ile (NM_001001935.3, NM_001257335.2); c.1459G>A, p.Val487Ile (NM_001001937.2); c.1393G>A, p.Val465Ile (NM_001257334.2); c.1459G>A (NM_001001937.1); short protein forms V437I, V465I, V487I.
Identifiers: ClinVar variation 1682743 (VCV001682743.7), dbSNP rs1433803254, ClinGen allele CA402363616.

ClinVar aggregate classification (germline): Uncertain significance. Review status: criteria provided, multiple submitters, no conflicts (2 of 4 stars). 2 submissions from 2 submitters: Uncertain significance (2). Last evaluated 2024-10-30.

Conditions:
Inborn genetic diseases. Identifiers: MedGen C0950123, MeSH D030342.

Allele frequency attached by ClinVar (database versions not stated): gnomAD 0.00001; gnomAD exomes 0.00001; TOPMed 0.00002.
gnomAD v4.1: 16 of 1,593,100 alleles (0.001%); highest among the groups gnomAD compares: Non-Finnish European, 0.0014%; no homozygotes.

Submissions (2):

Labcorp Genetics (formerly Invitae), Labcorp
Classification: Uncertain significance. Last evaluated: 2024-10-30. Review status: criteria provided, single submitter. Criteria: Invitae Variant Classification Sherloc (09022015). Collection method: clinical testing. Allele origin: germline.
Comment: This sequence change replaces valine, which is neutral and non-polar, with isoleucine, which is neutral and non-polar, at codon 487 of the ATP5A1 protein (p.Val487Ile). This variant is not present in population databases (gnomAD no frequency). This variant has not been reported in the literature in individuals affected with ATP5A1-related conditions. ClinVar contains an entry for this variant (Variation ID: 1682743). Invitae Evidence Modeling of protein sequence and biophysical properties (such as structural, functional, and spatial information, amino acid conservation, physicochemical variation, residue mobility, and thermodynamic stability) indicates that this missense variant is not expected to disrupt ATP5A1 protein function with a negative predictive value of 80%. In summary, the available evidence is currently insufficient to determine the role of this variant in disease. Therefore, it has been classified as a Variant of Uncertain Significance.

Ambry Genetics
Classification: Uncertain significance for Inborn genetic diseases. Last evaluated: 2023-08-04. Review status: criteria provided, single submitter. Criteria: Ambry Variant Classification Scheme 2023. Collection method: clinical testing. Allele origin: germline.